The following is an entry in ClinVar:

ClinVar aggregate classification (germline): Uncertain significance (1 of 4 stars; one submission).

Conditions:
Hereditary cancer-predisposing syndrome. Also called: Neoplastic Syndromes, Hereditary; Tumor predisposition; Hereditary neoplastic syndrome; Hereditary Cancer Syndrome. Identifiers: Orphanet 140162, MedGen C0027672, MeSH D009386, MONDO:0015356.

Submission:

Ambry Genetics
Classification: Uncertain significance for Hereditary cancer-predisposing syndrome. Last evaluated: 2024-02-07. Review status: criteria provided, single submitter. Criteria: Ambry Variant Classification Scheme 2023. Collection method: clinical testing. Allele origin: germline.
Comment: The p.E530D variant (also known as c.1590A>C), located in coding exon 9 of the BRCA1 gene, results from an A to C substitution at nucleotide position 1590. The glutamic acid at codon 530 is replaced by aspartic acid, an amino acid with highly similar properties. This amino acid position is not well conserved in available vertebrate species. In addition, this alteration is predicted to be deleterious by in silico analysis. Based on the available evidence, the clinical significance of this alteration remains unclear.

NM_007294.4(BRCA1):c.1590A>C (p.Glu530Asp)

Gene: BRCA1 (BRCA1 DNA repair associated; minus strand). Cytogenetic location: 17q21.31.
Variant type: single nucleotide variant.
Coding change: c.1590A>C on transcript NM_007294.4 (MANE Select); coding-DNA position 1590, A replaced by C.
Protein change: p.Glu530Asp; replaces glutamic acid 530 with aspartic acid.
Molecular consequence: missense variant. On other transcripts: intron variant (137).
Genome position (GRCh38, 1-based): chr17:43,093,941, T>G on the plus strand (A>C on the coding strand, the complement: BRCA1 is on the minus strand). VCF-style: chr17-43093941-T-G. GRCh37 (hg19) VCF-style: chr17-41245958-T-G.
Other names: c.1449A>C, p.Glu483Asp (NM_001407729.1, NM_001407731.1, NM_001407728.1 and 29 more transcripts); c.1377A>C, p.Glu459Asp (NM_001407571.1, NM_001407853.1, NM_001407894.1 and 9 more transcripts); c.1590A>C, p.Glu530Asp (NM_001407581.1, NM_001407582.1, NM_001407583.1 and 30 more transcripts); c.1587A>C, p.Glu529Asp (NM_001407587.1, NM_001407590.1, NM_001407591.1 and 22 more transcripts); c.1581A>C, p.Glu527Asp (NM_001407646.1, NM_001407647.1); c.1467A>C, p.Glu489Asp (NM_001407648.1, NM_001407664.1, NM_001407665.1 and 19 more transcripts); c.1464A>C, p.Glu488Asp (NM_001407649.1, NM_001407670.1, NM_001407671.1 and 11 more transcripts); c.1512A>C, p.Glu504Asp (NM_001407653.1, NM_001407654.1, NM_001407655.1 and 4 more transcripts); and 40 more; short protein forms E234D, E362D, E402D, E403D, E418D, E419D, E441D, E442D.
Identifiers: ClinVar variation 3226107 (VCV003226107.1), dbSNP rs2154434897, ClinGen allele CA10598867.
Genomic context (GRCh38, chr17:43,093,941, plus strand): 5'-ATTAGTAATATTCATCACTTGACCATTCTGCTCCGTTTGGTTAGTTCCCTGATTTATCAT[T>G]TCAGGAGTCTTTTGAACTGCCAAATCTGCTTTCTTGATAAAATCCTCAGGATGAAGGCCT-3'
Protein context (NP_009225.1, residues 520-540): KADLAVQKTP[Glu530Asp]MINQGTNQTE